The following is an entry in ClinVar:

NM_001982.4(ERBB3):c.1089T>C (p.Phe363=)

Gene: ERBB3 (erb-b2 receptor tyrosine kinase 3; plus strand). Cytogenetic location: 12q13.2.
Variant type: single nucleotide variant.
Coding change: c.1089T>C on transcript NM_001982.4 (MANE Select); coding-DNA position 1089, T replaced by C.
Protein change: p.Phe363=; no amino-acid change (phenylalanine 363 retained).
Molecular consequence: synonymous variant.
Genome position (GRCh38, 1-based): chr12:56,088,848, T>C. VCF-style: chr12-56088848-T-C. GRCh37 (hg19) VCF-style: chr12-56482632-T-C.
Identifiers: ClinVar variation 3388503 (VCV003388503.14).

ClinVar aggregate classification (germline): Likely benign (1 of 4 stars; one submission).

gnomAD v4.1: 69 of 1,614,046 alleles (0.0043%); highest among the groups gnomAD compares: Middle Eastern, 0.016%; no homozygotes.

Submission:

CeGaT Center for Human Genetics Tuebingen
Classification: Likely benign. Last evaluated: 2024-09-01. Review status: criteria provided, single submitter. Criteria: CeGaT Center For Human Genetics Tuebingen Variant Classification Criteria Version 2. Collection method: clinical testing. Allele origin: germline. Affected: yes. Observed: 1 variant allele.
Comment: ERBB3: BP4, BP7